The following is an entry in ClinVar:

NM_015072.5(TTLL5):c.419G>A (p.Arg140Gln)

Gene: TTLL5 (tubulin tyrosine ligase like 5; plus strand). Cytogenetic location: 14q24.3.
Variant type: single nucleotide variant.
Coding change: c.419G>A on transcript NM_015072.5 (MANE Select); coding-DNA position 419, G replaced by A.
Protein change: p.Arg140Gln; replaces arginine 140 with glutamine.
Molecular consequence: missense variant.
Genome position (GRCh38, 1-based): chr14:75,690,239, G>A. VCF-style: chr14-75690239-G-A. GRCh37 (hg19) VCF-style: chr14-76156582-G-A.
Other names: c.419G>A (NM_015072.4); short protein forms R140Q.
Identifiers: ClinVar variation 1382756 (VCV001382756.7), dbSNP rs146900909, ClinGen allele CA7278922.
Genomic context (GRCh38, chr14:75,690,239, plus strand): 5'-TTTGATTTTTCAGGTCTTATGAACTTACCCGGAAGGACCGACTGTACAAAAACATTATTC[G>A]AATGCAGCATACACATGGATTCAAGGCTTTTCACATCCTCCCCCAGACCTTCCTCCTGCC-3'
Protein context (NP_055887.3, residues 130-150): RKDRLYKNII[Arg140Gln]MQHTHGFKAF

ClinVar aggregate classification (germline): Uncertain significance. Review status: criteria provided, multiple submitters, no conflicts (2 of 4 stars). 2 submissions from 2 submitters: Uncertain significance (2). Last evaluated 2023-06-21.

Conditions:
Inborn genetic diseases. Identifiers: MedGen C0950123, MeSH D030342.

Allele frequency attached by ClinVar (database versions not stated): gnomAD exomes below 0.00001; ExAC 0.00001; TOPMed 0.00001; ESP Exome Variant Server 0.00008.

Submissions (2):

Ambry Genetics
Classification: Uncertain significance for Inborn genetic diseases. Last evaluated: 2023-06-21. Review status: criteria provided, single submitter. Criteria: Ambry Variant Classification Scheme 2023. Collection method: clinical testing. Allele origin: germline.

Labcorp Genetics (formerly Invitae), Labcorp
Classification: Uncertain significance. Last evaluated: 2021-08-31. Review status: criteria provided, single submitter. Criteria: Invitae Variant Classification Sherloc (09022015). Collection method: clinical testing. Allele origin: germline.
Comment: In summary, the available evidence is currently insufficient to determine the role of this variant in disease. Therefore, it has been classified as a Variant of Uncertain Significance. This sequence change replaces arginine with glutamine at codon 140 of the TTLL5 protein (p.Arg140Gln). The arginine residue is highly conserved and there is a small physicochemical difference between arginine and glutamine. This variant is present in population databases (rs146900909, ExAC 0.01%). This variant has not been reported in the literature in individuals affected with TTLL5-related conditions. Algorithms developed to predict the effect of missense changes on protein structure and function are either unavailable or do not agree on the potential impact of this missense change (SIFT: "Tolerated"; PolyPhen-2: "Probably Damaging"; Align-GVGD: "Class C0").